The following is an entry in ClinVar:

NM_001308120.2(TOGARAM1):c.699C>T (p.Ser233=)

Gene: TOGARAM1 (TOG array regulator of axonemal microtubules 1; plus strand). Cytogenetic location: 14q21.2.
Variant type: single nucleotide variant.
Coding change: c.699C>T on transcript NM_001308120.2 (MANE Select); coding-DNA position 699, C replaced by T.
Protein change: p.Ser233=; no amino-acid change (serine 233 retained).
Molecular consequence: synonymous variant. On other transcripts: non-coding transcript variant (1).
Genome position (GRCh38, 1-based): chr14:44,963,120, C>T. VCF-style: chr14-44963120-C-T. GRCh37 (hg19) VCF-style: chr14-45432323-C-T.
Other names: c.699C>T, p.Ser233= (NM_015091.4).
Identifiers: ClinVar variation 4874167 (VCV004874167.2).

ClinVar aggregate classification (germline): Likely benign (1 of 4 stars; one submission).

gnomAD v4.1: 5 of 1,614,060 alleles (0.00031%); highest among the groups gnomAD compares: Admixed American, 0.0033%; no homozygotes.

Submission:

CeGaT Center for Human Genetics Tuebingen
Classification: Likely benign. Last evaluated: 2026-06-01. Review status: criteria provided, single submitter. Criteria: CeGaT Center For Human Genetics Tuebingen Variant Classification Criteria Version 2. Collection method: clinical testing. Allele origin: germline. Affected: yes. Observed: 1 variant allele.
Comment: TOGARAM1: BP4, BP7